The following is an entry in ClinVar:

ClinVar aggregate classification (germline): Conflicting classifications of pathogenicity. Review status: criteria provided, conflicting classifications (1 of 4 stars). 10 submissions from 10 submitters: Uncertain significance (7); Likely benign (3). Last evaluated 2026-09-10.

Conditions:
ZNF469-related disorder. Also called: ZNF469-related condition.
Cardiovascular phenotype. Identifiers: MedGen CN230736.
Brittle cornea syndrome 1 (BCS1). Also called: CORNEAL FRAGILITY, KERATOGLOBUS, BLUE SCLERAE, JOINT HYPEREXTENSIBILITY; EDS6B; DYSGENESIS MESODERMALIS CORNEAE ET SCLERAE; FRAGILITAS OCULI WITH JOINT HYPEREXTENSIBILITY; Corneal fragility keratoglobus, blue sclerae AND joint hypermobility. Identifiers: Orphanet 90354, MedGen C0268344, MONDO:0024543, OMIM 229200.
Ehlers-Danlos syndrome (EDS). Identifiers: Orphanet 98249, MedGen C0013720, MONDO:0020066.

Submissions (10):

PreventionGenetics, part of Exact Sciences
Classification: Uncertain significance for ZNF469-related condition. Last evaluated: 2026-09-10. Review status: criteria provided, single submitter. Criteria: ACMG Guidelines, 2015. Collection method: clinical testing. Allele origin: germline.
Comment: The ZNF469 c.2914_2919del6 variant is predicted to result in an in-frame deletion (p.Gly972_Gly973del). To our knowledge, this variant has not been reported in the literature. This variant is reported in 0.13% of alleles in individuals of European (Non-Finnish) descent in gnomAD, which is likely too common for an undocumented disease-causing variant. Although we suspect that this variant may be benign, at this time, the clinical significance of this variant is uncertain due to the absence of conclusive functional and genetic evidence.

Women's Health and Genetics/Laboratory Corporation of America, LabCorp
Classification: Uncertain significance. Last evaluated: 2026-06-15. Review status: criteria provided, single submitter. Criteria: LabCorp Variant Classification Summary - May 2015. Collection method: clinical testing. Allele origin: germline.
Comment: Variant summary: ZNF469 c.2914_2919delGGCGGC (p.Gly972_Gly973del) results in an in-frame deletion that is predicted to remove 2 amino acids from the encoded protein. The variant allele was found at a frequency of 0.0005 in 115128 control chromosomes in the gnomAD database, including 1 homozygotes. This frequency is not significantly higher than estimated for disease-causing variants in ZNF469, allowing no conclusion about variant significance. To our knowledge, no occurrence of c.2914_2919delGGCGGC in individuals affected with ZNF469-related conditions and no experimental evidence demonstrating its impact on protein function have been reported. ClinVar contains an entry for this variant (Variation ID: 320894). Based on the evidence outlined above, the variant was classified as uncertain significance.

Labcorp Genetics (formerly Invitae), Labcorp
Classification: Uncertain significance. Last evaluated: 2025-01-13. Review status: criteria provided, single submitter. Criteria: Invitae Variant Classification Sherloc (09022015). Collection method: clinical testing. Allele origin: germline.
Comment: This variant, c.2914_2919del, results in the deletion of 2 amino acid(s) of the ZNF469 protein (p.Gly972_Gly973del), but otherwise preserves the integrity of the reading frame. This variant is present in population databases (rs775423936, gnomAD 0.1%), including at least one homozygous and/or hemizygous individual. This variant has not been reported in the literature in individuals affected with ZNF469-related conditions. Experimental studies and prediction algorithms are not available or were not evaluated, and the functional significance of this variant is currently unknown. In summary, the available evidence is currently insufficient to determine the role of this variant in disease. Therefore, it has been classified as a Variant of Uncertain Significance.

Blueprint Genetics
Classification: Uncertain significance. Last evaluated: 2024-10-22. Review status: criteria provided, single submitter. Criteria: ACMG Guidelines, 2015. Collection method: clinical testing. Allele origin: germline.

CeGaT Center for Human Genetics Tuebingen
Classification: Uncertain significance. Last evaluated: 2024-06-01. Review status: criteria provided, single submitter. Criteria: CeGaT Center For Human Genetics Tuebingen Variant Classification Criteria Version 2. Collection method: clinical testing. Allele origin: germline. Affected: yes. Observed: 4 variant alleles.
Comment: ZNF469: PM4

Department of Pathology and Laboratory Medicine, Sinai Health System
Classification: Uncertain significance for Brittle cornea syndrome 1. Last evaluated: 2022-02-07. Review status: criteria provided, single submitter. Criteria: ACMG Guidelines, 2015. Collection method: research. Allele origin: germline.

Revvity Omics, Revvity
Classification: Uncertain significance for Brittle cornea syndrome 1. Last evaluated: 2021-12-10. Review status: criteria provided, single submitter. Criteria: ACMG Guidelines, 2015. Collection method: clinical testing. Allele origin: germline.

Genome Diagnostics Laboratory, The Hospital for Sick Children
Classification: Likely benign for Ehlers-Danlos syndrome. Last evaluated: 2021-07-08. Review status: criteria provided, single submitter. Criteria: ACMG Guidelines, 2015. Collection method: clinical testing. Allele origin: germline.

GeneDx
Classification: Likely benign. Last evaluated: 2021-01-20. Review status: criteria provided, single submitter. Criteria: GeneDx Variant Classification Process June 2021. Collection method: clinical testing. Allele origin: germline. Affected: yes.

Ambry Genetics
Classification: Likely benign for Cardiovascular phenotype. Last evaluated: 2019-05-09. Review status: criteria provided, single submitter. Criteria: Ambry Variant Classification Scheme 2023. Collection method: clinical testing. Allele origin: germline.

NM_001367624.2(ZNF469):c.2908GGC[2] (p.Gly972_Gly973del)

Gene: ZNF469 (zinc finger protein 469; plus strand). Cytogenetic location: 16q24.2.
Variant type: Microsatellite.
Coding change: c.2908GGC[2] on transcript NM_001367624.2 (MANE Select); two copies in a row of the 3-base unit GGC starting at c.2908; the reference has four copies in a row; two copies, 6 bases deleted; also written c.2914_2919del.
Protein change: p.Gly972_Gly973del.
Molecular consequence: inframe deletion.
Genome position (GRCh38, 1-based): chr16:88,430,384-88,430,389, GGCGGC deleted; deleting any 6 consecutive bases within chr16:88,430,378-88,430,389 gives the same sequence; the position shown is the placement nearest the transcript's 3' end. VCF-style (leftmost placement, unchanged base first): chr16-88430377-GGGCGGC-G. GRCh37 (hg19) VCF-style: chr16-88496785-GGGCGGC-G.
Other names: NM_001127464.1:c.2914_2919delGGCGGC; NM_001127464.1:c.2914_2919del; NM_001127464.2:c.2914_2919delGGCGGC; NM_001127464.2:c.2914_2919del6; c.2914_2919del (NM_001367624.2); c.2914_2919delGGCGGC (NM_001367624.2).
Identifiers: ClinVar variation 320894 (VCV000320894.61), dbSNP rs775423936, ClinGen allele CA8224812.